The following is an entry in ClinVar:

NM_078629.4(MSL3):c.588+1del

Gene: MSL3 (MSL complex subunit 3; plus strand). Cytogenetic location: Xp22.2.
Variant type: Deletion.
Coding change: c.588+1del on transcript NM_078629.4 (MANE Select); the canonical splice donor site of the intron after coding-DNA position 588, one base deleted (G; older notation c.588+1delG).
Molecular consequence: splice donor variant.
Genome position (GRCh38, 1-based): chrX:11,762,253, G deleted; the last of 3 consecutive G bases (chrX:11,762,251-11,762,253); deleting any one gives the same sequence. VCF-style (leftmost placement, unchanged base first): chrX-11762250-CG-C. GRCh37 (hg19) VCF-style: chrX-11780369-CG-C.
Other names: c.141+1del (NM_001282174.1); c.588+1del (NM_078628.2); c.552+1del (NM_001193270.2); c.90+1del (NM_006800.4).
Identifiers: ClinVar variation 4538514 (VCV004538514.1).
Genomic context (GRCh38, chrX:11,762,250, plus strand): 5'-ATCCCTGAAGTTCTGAAGAAGCAGCTGGAGGATGATTGTTACTACATTAACAGGAGGAAA[CG>C]GGTATGTAGGGAGAATGTATAAAACATTAATTTGTTTGGCATTTTCATTTTGCCATAGTT-3'

ClinVar aggregate classification (germline): Likely pathogenic (1 of 4 stars; one submission).

Conditions:
Basilicata-Akhtar syndrome. Also called: INTELLECTUAL DEVELOPMENTAL DISORDER, X-LINKED, SYNDROMIC, 36; MENTAL RETARDATION, X-LINKED, SYNDROMIC, BASILICATA-AKHTAR TYPE. Identifiers: MedGen C5231394, MONDO:0026730, OMIM 301032.

Submission:

Molecular Genetics Laboratory, Motol Hospital
Classification: Likely pathogenic for Basilicata-Akhtar syndrome. Last evaluated: 2025-12-19. Review status: criteria provided, single submitter. Criteria: ACMG Guidelines, 2015. Collection method: clinical testing. Allele origin: de novo. Affected: yes. Observed: 1 heterozygote.
Comment: Not present in gnomAD (v4.1.0), dbSNP, ClinVar, LOVD (PM2). Rare truncating variants affecting the MSL3 gene are associated with X-linked dominant Basilicata-Akhtar syndrome (MIM:301032; PMID:30224647;PMID:33173220) (PVS1). To conclude, the variant c.588+1del is classified as likely pathogenic (PM2, PVS1, PS2).

Literature cited by the submitters: PubMed 30224647; PubMed 33173220.